The following is an entry in ClinVar:

NM_003672.4(CDC14A):c.457-8G>A

Gene: CDC14A (cell division cycle 14A; plus strand). Cytogenetic location: 1p21.2.
Variant type: single nucleotide variant.
Coding change: c.457-8G>A on transcript NM_003672.4 (MANE Select); 8 bases into the intron before coding-DNA position 457, G replaced by A.
Molecular consequence: intron variant.
Genome position (GRCh38, 1-based): chr1:100,442,926, G>A. VCF-style: chr1-100442926-G-A. GRCh37 (hg19) VCF-style: chr1-100908482-G-A.
Other names: c.283-8G>A (NM_001319211.2); c.457-8G>A (NM_001319210.2, NM_033312.3, NM_033313.3); c.-335-8G>A (NM_001319212.2).
Identifiers: ClinVar variation 4281524 (VCV004281524.7).

ClinVar aggregate classification (germline): Uncertain significance (1 of 4 stars; one submission).

gnomAD v4.1: 2 of 1,579,160 alleles (0.00013%); highest among the groups gnomAD compares: Non-Finnish European, 0.00017%; no homozygotes.

Submission:

CeGaT Center for Human Genetics Tuebingen
Classification: Uncertain significance. Last evaluated: 2025-09-01. Review status: criteria provided, single submitter. Criteria: CeGaT Center For Human Genetics Tuebingen Variant Classification Criteria Version 2. Collection method: clinical testing. Allele origin: germline. Affected: yes. Observed: 1 variant allele.
Comment: CDC14A: PM2, BP4